The following is an entry in ClinVar:

ClinVar aggregate classification (germline): Pathogenic (1 of 4 stars; one submission).

Conditions:
Cardiovascular phenotype. Identifiers: MedGen CN230736.

Submission:

Ambry Genetics
Classification: Pathogenic for Cardiovascular phenotype. Last evaluated: 2025-03-19. Review status: criteria provided, single submitter. Criteria: Ambry Variant Classification Scheme 2023. Collection method: clinical testing. Allele origin: germline.
Comment: The c.2513dupA pathogenic mutation, located in coding exon 19 of the RASA1 gene, results from a duplication of A at nucleotide position 2513, causing a translational frameshift with a predicted alternate stop codon (p.N838Kfs*2). This variant was reported in individual(s) with features consistent with RASA1-related capillary malformation-arteriovenous malformation syndrome (Saliou G et al. Ann Neurol, 2017 Dec;82:972-980; Ambry internal data). This variant is considered to be rare based on population cohorts in the Genome Aggregation Database (gnomAD). This alteration is expected to result in loss of function by premature protein truncation or nonsense-mediated mRNA decay. As such, this alteration is interpreted as a disease-causing mutation.

Literature cited by the submitters: PubMed 29171923.

NM_002890.3(RASA1):c.2513dup (p.Asn838fs)

Genes: CCNH (cyclin H; minus strand), RASA1 (RAS p21 protein activator 1; plus strand). Cytogenetic location: 5q14.3.
Variant type: Duplication.
Coding change: c.2513dup on transcript NM_002890.3 (MANE Select); coding-DNA position 2513, one base duplicated (A; older notation c.2513dupA).
Protein change: p.Asn838fs; shifts the reading frame from asparagine 838.
Molecular consequence: frameshift variant. On other transcripts: intron variant (1).
Genome position (GRCh38, 1-based): chr5:87,379,760, A duplicated; the last of 7 consecutive A bases (chr5:87,379,754-87,379,760); duplicating any one gives the same sequence. VCF-style (leftmost placement, unchanged base first): chr5-87379753-G-GA. GRCh37 (hg19) VCF-style: chr5-86675570-G-GA.
Other names: c.2513dupA (NM_002890.3); c.1982dup, p.Asn661fs (NM_022650.3); c.933+15290dup (NM_001364075.2); short protein forms N661fs, N838fs.
Identifiers: ClinVar variation 3942973 (VCV003942973.1).